The following is an entry in ClinVar:

NM_000064.4(C3):c.1678G>A (p.Val560Met)

Gene: C3 (complement C3; minus strand). Cytogenetic location: 19p13.3.
Variant type: single nucleotide variant.
Coding change: c.1678G>A on transcript NM_000064.4 (MANE Select); coding-DNA position 1678, G replaced by A.
Protein change: p.Val560Met; replaces valine 560 with methionine.
Molecular consequence: missense variant.
Genome position (GRCh38, 1-based): chr19:6,710,647, C>T on the plus strand (G>A on the coding strand, the complement: C3 is on the minus strand). VCF-style: chr19-6710647-C-T. GRCh37 (hg19) VCF-style: chr19-6710658-C-T.
Other names: short protein forms V560M.
Identifiers: ClinVar variation 988247 (VCV000988247.3), dbSNP rs1015875450, ClinGen allele CA304795218.

ClinVar aggregate classification (germline): Uncertain significance. Review status: criteria provided, single submitter (1 of 4 stars). 2 submissions from 2 submitters: Uncertain significance (1). 1 of the submissions does not count toward it. Last evaluated 2024-10-30.

Conditions:
Atypical hemolytic-uremic syndrome. Identifiers: Orphanet 2134, MedGen C2931788, MONDO:0016244.

Allele frequency attached by ClinVar (database versions not stated): gnomAD 0.00001; gnomAD exomes 0.00001; TOPMed 0.00001.
gnomAD v4.1: 8 of 1,612,700 alleles (0.0005%); highest among the groups gnomAD compares: Non-Finnish European, 0.00068%; no homozygotes.

Submissions (2):

Labcorp Genetics (formerly Invitae), Labcorp
Classification: Uncertain significance. Last evaluated: 2024-10-30. Review status: criteria provided, single submitter. Criteria: Invitae Variant Classification Sherloc (09022015). Collection method: clinical testing. Allele origin: germline.
Comment: This sequence change replaces valine, which is neutral and non-polar, with methionine, which is neutral and non-polar, at codon 560 of the C3 protein (p.Val560Met). This variant is present in population databases (no rsID available, gnomAD 0.003%). This variant has not been reported in the literature in individuals affected with C3-related conditions. ClinVar contains an entry for this variant (Variation ID: 988247). Invitae Evidence Modeling of protein sequence and biophysical properties (such as structural, functional, and spatial information, amino acid conservation, physicochemical variation, residue mobility, and thermodynamic stability) indicates that this missense variant is not expected to disrupt C3 protein function with a negative predictive value of 80%. In summary, the available evidence is currently insufficient to determine the role of this variant in disease. Therefore, it has been classified as a Variant of Uncertain Significance.

Sydney Genome Diagnostics, Children's Hospital Westmead
Classification: Uncertain significance for Atypical hemolytic-uremic syndrome. Last evaluated: 2019-04-02. Review status: no assertion criteria provided. Collection method: clinical testing. Allele origin: unknown. Affected: yes. Observed: 1 variant allele, 1 heterozygote. Not counted in ClinVar's aggregate classification.
Comment: This variant has been reported in the gnomAD browser with a very low allele frequency of 0.001% (3 out of 248,706 alleles). To our knowledge, this variant has not been previously reported in the literature or any disease specific databases to be a disease causing variant. In silico analysis of pathogenicity (through Alamut Visual v2.8.1) using PolyPhen2, SIFT and MutationTaster all predict this variant to be a likely benign variant. However, this analysis alone cannot be used to exclude pathogenicity. This variant is considered to be a variant of uncertain clinical significance (VOUS) according to the ACMG guidelines (Evidence used: BP4, PM2).